The following is an entry in ClinVar:

ClinVar aggregate classification (germline): Uncertain significance (1 of 4 stars; one submission).

Allele frequency attached by ClinVar (database versions not stated): gnomAD exomes below 0.00001.

Submission:

Labcorp Genetics (formerly Invitae), Labcorp
Classification: Uncertain significance. Last evaluated: 2025-11-10. Review status: criteria provided, single submitter. Criteria: Invitae Variant Classification Sherloc (09022015). Collection method: clinical testing. Allele origin: germline.
Comment: This sequence change replaces histidine, which is basic and polar, with asparagine, which is neutral and polar, at codon 785 of the PTPN23 protein (p.His785Asn). This variant is not present in population databases (gnomAD no frequency). This variant has not been reported in the literature in individuals affected with PTPN23-related conditions. ClinVar contains an entry for this variant (Variation ID: 1970056). Experimental studies and prediction algorithms are not available or were not evaluated, and the functional significance of this variant is currently unknown. In summary, the available evidence is currently insufficient to determine the role of this variant in disease. Therefore, it has been classified as a Variant of Uncertain Significance.

NM_015466.4(PTPN23):c.2353C>A (p.His785Asn)

Gene: PTPN23 (protein tyrosine phosphatase non-receptor type 23; plus strand). Cytogenetic location: 3p21.31.
Variant type: single nucleotide variant.
Coding change: c.2353C>A on transcript NM_015466.4 (MANE Select); coding-DNA position 2353, C replaced by A.
Protein change: p.His785Asn; replaces histidine 785 with asparagine.
Molecular consequence: missense variant.
Genome position (GRCh38, 1-based): chr3:47,410,151, C>A. VCF-style: chr3-47410151-C-A. GRCh37 (hg19) VCF-style: chr3-47451641-C-A.
Other names: c.1975C>A, p.His659Asn (NM_001304482.2); short protein forms H659N, H785N.
Identifiers: ClinVar variation 1970056 (VCV001970056.5), dbSNP rs2546249581, ClinGen allele CA352558412.